The following is an entry in ClinVar:

NM_001903.5(CTNNA1):c.2236G>A (p.Ala746Thr)

Gene: CTNNA1 (catenin alpha 1; plus strand). Cytogenetic location: 5q31.2.
Variant type: single nucleotide variant.
Coding change: c.2236G>A on transcript NM_001903.5 (MANE Select); coding-DNA position 2236, G replaced by A.
Protein change: p.Ala746Thr; replaces alanine 746 with threonine.
Molecular consequence: missense variant.
Genome position (GRCh38, 1-based): chr5:138,930,873, G>A. VCF-style: chr5-138930873-G-A. GRCh37 (hg19) VCF-style: chr5-138266562-G-A.
Other names: c.2236G>A, p.Ala746Thr (NM_001290307.3, NM_001323982.2, NM_001323983.1 and 2 more transcripts); c.1927G>A, p.Ala643Thr (NM_001290309.3); c.1867G>A, p.Ala623Thr (NM_001290310.3); c.1126G>A, p.Ala376Thr (NM_001290312.1, NM_001323987.1, NM_001323988.1 and 17 more transcripts); c.2143G>A, p.Ala715Thr (NM_001323986.2); c.787G>A, p.Ala263Thr (NM_001324006.1, NM_001324007.1, NM_001324008.1 and 2 more transcripts); c.1033G>A, p.Ala345Thr (NM_001324011.1); c.883G>A, p.Ala295Thr (NM_001324012.1, NM_001324013.1); short protein forms A623T, A263T, A643T, A746T, A345T, A715T, A295T, A376T.
Identifiers: ClinVar variation 1441279 (VCV001441279.8), dbSNP rs2150337218, ClinGen allele CA361133838.

ClinVar aggregate classification (germline): Uncertain significance (1 of 4 stars; one submission).

Submission:

Labcorp Genetics (formerly Invitae), Labcorp
Classification: Uncertain significance. Last evaluated: 2021-07-17. Review status: criteria provided, single submitter. Criteria: Invitae Variant Classification Sherloc (09022015). Collection method: clinical testing. Allele origin: germline.
Comment: This sequence change replaces alanine with threonine at codon 746 of the CTNNA1 protein (p.Ala746Thr). The alanine residue is highly conserved and there is a small physicochemical difference between alanine and threonine. This variant is not present in population databases (ExAC no frequency). This variant has not been reported in the literature in individuals affected with CTNNA1-related conditions. Algorithms developed to predict the effect of missense changes on protein structure and function are either unavailable or do not agree on the potential impact of this missense change (SIFT: "Deleterious"; PolyPhen-2: "Possibly Damaging"; Align-GVGD: "Class C0"). In summary, the available evidence is currently insufficient to determine the role of this variant in disease. Therefore, it has been classified as a Variant of Uncertain Significance.